The following is an entry in ClinVar:

NM_004646.4(NPHS1):c.512T>A (p.Ile171Asn)

Gene: NPHS1 (NPHS1 adhesion molecule, nephrin; minus strand). Cytogenetic location: 19q13.12.
Variant type: single nucleotide variant.
Coding change: c.512T>A on transcript NM_004646.4 (MANE Select); coding-DNA position 512, T replaced by A.
Protein change: p.Ile171Asn; replaces isoleucine 171 with asparagine.
Molecular consequence: missense variant.
Genome position (GRCh38, 1-based): chr19:35,850,975, A>T on the plus strand (T>A on the coding strand, the complement: NPHS1 is on the minus strand). VCF-style: chr19-35850975-A-T. GRCh37 (hg19) VCF-style: chr19-36341877-A-T.
Other names: short protein forms I171N.
Identifiers: ClinVar variation 56508 (VCV000056508.2), dbSNP rs386833946, ClinGen allele CA250245.
Genomic context (GRCh38, chr19:35,850,975, plus strand): 5'-CAGAGGCTTCATGCTGCCCCCTGCCACCCAGTTCACCCACACTCACTCAGGAGAATGGTG[A>T]TGTCAGGTGCTGGCTTCGCGTCCCCAGACACACAGTTGACCACGTACTCCTGCCCAGCTA-3'
Protein context (NP_004637.1, residues 161-181): VSGDAKPAPD[Ile171Asn]TILLSGQTIS

ClinVar aggregate classification (germline): Likely pathogenic (0 of 4 stars; one submission).

Conditions:
Finnish congenital nephrotic syndrome (NPHS1). Also called: NEPHROTIC SYNDROME, TYPE 1. Identifiers: Orphanet 839, MedGen C0403399, MONDO:0009732, OMIM 256300.

Submission:

Juha Muilu Group; Institute for Molecular Medicine Finland (FIMM)
Classification: Likely pathogenic for Finnish congenital nephrotic syndrome. Review status: no assertion criteria provided. Collection method: not provided. Allele origin: unknown.
Comment: FinDis database variant: This variant was not found or characterized by our laboratory, data were collected from public sources: see reference
ClinVar note: Converted during submission from probable-pathogenic to Likely pathogenic.